The following is an entry in ClinVar:

ClinVar aggregate classification (germline): Uncertain significance. Review status: criteria provided, multiple submitters, no conflicts (2 of 4 stars). 3 submissions from 3 submitters: Uncertain significance (2). 1 of the submissions does not count toward it. Last evaluated 2024-10-10.

Conditions:
Retinal dystrophy. Also called: Inherited retinal dystrophy. Identifiers: Orphanet 71862, MedGen C0854723, MeSH D058499, MONDO:0019118, HP:0000556.

Allele frequency attached by ClinVar (database versions not stated): gnomAD exomes 0.00008 and 0.00013; gnomAD 0.00009 and 0.00011; TOPMed 0.00011; ExAC 0.00012.
gnomAD v4.1: 129 of 1,588,946 alleles (0.0081%); highest among the groups gnomAD compares: Admixed American, 0.018%; no homozygotes.

Submissions (3):

Blueprint Genetics
Classification: Uncertain significance. Last evaluated: 2024-10-10. Review status: criteria provided, single submitter. Criteria: ACMG Guidelines, 2015. Collection method: clinical testing. Allele origin: germline.

Labcorp Genetics (formerly Invitae), Labcorp
Classification: Uncertain significance. Last evaluated: 2023-11-06. Review status: criteria provided, single submitter. Criteria: Invitae Variant Classification Sherloc (09022015). Collection method: clinical testing. Allele origin: germline.
Comment: This sequence change replaces leucine, which is neutral and non-polar, with valine, which is neutral and non-polar, at codon 1175 of the KIAA1549 protein (p.Leu1175Val). This variant is present in population databases (rs766057548, gnomAD 0.02%). This variant has not been reported in the literature in individuals affected with KIAA1549-related conditions. ClinVar contains an entry for this variant (Variation ID: 860628). An algorithm developed to predict the effect of missense changes on protein structure and function (PolyPhen-2) suggests that this variant is likely to be disruptive. In summary, the available evidence is currently insufficient to determine the role of this variant in disease. Therefore, it has been classified as a Variant of Uncertain Significance.

Institute of Human Genetics, Univ. Regensburg, Univ. Regensburg
Classification: Uncertain significance for Retinal dystrophy. Last evaluated: 2022-01-01. Review status: no assertion criteria provided. Criteria: ACMG Guidelines, 2015. Collection method: clinical testing. Allele origin: germline. Affected: yes. Not counted in ClinVar's aggregate classification.

NM_001164665.2(KIAA1549):c.3523C>G (p.Leu1175Val)

Gene: KIAA1549 (KIAA1549; minus strand). Cytogenetic location: 7q34.
Variant type: single nucleotide variant.
Coding change: c.3523C>G on transcript NM_001164665.2 (MANE Select); coding-DNA position 3523, C replaced by G.
Protein change: p.Leu1175Val; replaces leucine 1175 with valine.
Molecular consequence: missense variant.
Genome position (GRCh38, 1-based): chr7:138,903,734, G>C on the plus strand (C>G on the coding strand, the complement: KIAA1549 is on the minus strand). VCF-style: chr7-138903734-G-C. GRCh37 (hg19) VCF-style: chr7-138588480-G-C.
Other names: c.3523C>G, p.Leu1175Val (NM_020910.3); short protein forms L1175V.
Identifiers: ClinVar variation 860628 (VCV000860628.6), dbSNP rs766057548, ClinGen allele CA4506185.